The following is an entry in ClinVar:

NM_002474.3(MYH11):c.2258C>T (p.Ala753Val)

Gene: MYH11 (myosin heavy chain 11; minus strand). Cytogenetic location: 16p13.11.
Variant type: single nucleotide variant.
Coding change: c.2258C>T on transcript NM_002474.3 (MANE Select); coding-DNA position 2258, C replaced by T.
Protein change: p.Ala753Val; replaces alanine 753 with valine.
Molecular consequence: missense variant.
Genome position (GRCh38, 1-based): chr16:15,747,723, G>A on the plus strand (C>T on the coding strand, the complement: MYH11 is on the minus strand). VCF-style: chr16-15747723-G-A. GRCh37 (hg19) VCF-style: chr16-15841580-G-A.
Other names: c.2279C>T, p.Ala760Val (NM_001040113.2, NM_001040114.2); c.2258C>T, p.Ala753Val (NM_022844.3); short protein forms A753V, A760V.
Identifiers: ClinVar variation 2884393 (VCV002884393.3), dbSNP rs2506267403, ClinGen allele CA394867568.

ClinVar aggregate classification (germline): Uncertain significance (1 of 4 stars; one submission).

Conditions:
Aortic aneurysm, familial thoracic 4 (AAT4). Also called: AORTIC ANEURYSM/AORTIC DISSECTION AND PATENT DUCTUS ARTERIOSUS. Identifiers: MedGen C1851504, MONDO:0007568, OMIM 132900.

gnomAD v4.1: 2 of 1,614,022 alleles (0.00012%); highest among the groups gnomAD compares: Non-Finnish European, 0.00017%; no homozygotes.

Submission:

Labcorp Genetics (formerly Invitae), Labcorp
Classification: Uncertain significance for Aortic aneurysm, familial thoracic 4. Last evaluated: 2024-01-28. Review status: criteria provided, single submitter. Criteria: Invitae Variant Classification Sherloc (09022015). Collection method: clinical testing. Allele origin: germline.
Comment: This sequence change replaces alanine, which is neutral and non-polar, with valine, which is neutral and non-polar, at codon 760 of the MYH11 protein (p.Ala760Val). This variant is not present in population databases (gnomAD no frequency). This variant has not been reported in the literature in individuals affected with MYH11-related conditions. Advanced modeling of protein sequence and biophysical properties (such as structural, functional, and spatial information, amino acid conservation, physicochemical variation, residue mobility, and thermodynamic stability) performed at Invitae indicates that this missense variant is not expected to disrupt MYH11 protein function with a negative predictive value of 95%. In summary, the available evidence is currently insufficient to determine the role of this variant in disease. Therefore, it has been classified as a Variant of Uncertain Significance.